The following is an entry in ClinVar:

ClinVar aggregate classification (germline): Likely pathogenic. Review status: criteria provided, multiple submitters, no conflicts (2 of 4 stars). 2 submissions from 2 submitters: Likely pathogenic (2). Last evaluated 2025-11-05.

Conditions:
Joubert syndrome. Also called: CEREBELLOPARENCHYMAL DISORDER IV; JOUBERT-BOLTSHAUSER SYNDROME; Familial aplasia of the vermis. Identifiers: Orphanet 475, MedGen C5979921, MONDO:0018772.
Meckel-Gruber syndrome. Also called: DYSENCEPHALIA SPLANCHNOCYSTICA; GRUBER SYNDROME; Dysencephalia splachnocystica. Identifiers: Orphanet 564, MedGen C0265215, MONDO:0018921.

Allele frequency attached by ClinVar (database versions not stated): gnomAD exomes below 0.00001.
gnomAD v4.1: 2 of 1,613,776 alleles (0.00012%); highest among the groups gnomAD compares: South Asian, 0.0022%; no homozygotes.

Submissions (2):

Natera, Inc.
Classification: Likely pathogenic for Joubert syndrome. Last evaluated: 2025-11-05. Review status: criteria provided, single submitter. Criteria: Natera Variant Classification Schema (03/2026). Collection method: clinical testing. Allele origin: germline.
Comment: The c.529+1G>A variant in RPGRIP1L is a canonical splice donor site variant predicted to affect pre-mRNA splicing, which may result in an abnormal transcript and altered protein product. This variant is expected to result in nonsense mediated decay, truncation, or a dysfunctional protein product. This variant is rare in the general population with a frequency below the threshold expected for the associated phenotype(s). Given the available evidence, this variant is classified as Likely Pathogenic.

Labcorp Genetics (formerly Invitae), Labcorp
Classification: Likely pathogenic for Joubert syndrome; Meckel-Gruber syndrome. Last evaluated: 2024-01-04. Review status: criteria provided, single submitter. Criteria: Invitae Variant Classification Sherloc (09022015). Collection method: clinical testing. Allele origin: germline.
Comment: This sequence change affects a donor splice site in intron 4 of the RPGRIP1L gene. It is expected to disrupt RNA splicing. Variants that disrupt the donor or acceptor splice site typically lead to a loss of protein function (PMID: 16199547), and loss-of-function variants in RPGRIP1L are known to be pathogenic (PMID: 17558409). This variant is present in population databases (no rsID available, gnomAD 0.003%). This variant has not been reported in the literature in individuals affected with RPGRIP1L-related conditions. ClinVar contains an entry for this variant (Variation ID: 2414516). Algorithms developed to predict the effect of sequence changes on RNA splicing suggest that this variant may disrupt the consensus splice site. In summary, the currently available evidence indicates that the variant is pathogenic, but additional data are needed to prove that conclusively. Therefore, this variant has been classified as Likely Pathogenic.

Literature cited by the submitters: PubMed 16199547 (cited by Labcorp Genetics (formerly Invitae), Labcorp); PubMed 17558409 (cited by Labcorp Genetics (formerly Invitae), Labcorp).

NM_015272.5(RPGRIP1L):c.529+1G>A

Gene: RPGRIP1L (RPGRIP1 like; minus strand). Cytogenetic location: 16q12.2.
Variant type: single nucleotide variant.
Coding change: c.529+1G>A on transcript NM_015272.5 (MANE Select); the canonical splice donor site of the intron after coding-DNA position 529, G replaced by A.
Molecular consequence: splice donor variant.
Genome position (GRCh38, 1-based): chr16:53,692,065, C>T on the plus strand (G>A on the coding strand, the complement: RPGRIP1L is on the minus strand). VCF-style: chr16-53692065-C-T. GRCh37 (hg19) VCF-style: chr16-53725977-C-T.
Other names: c.529+1G>A (NM_001127897.4, NM_001330538.2, NM_001308334.3 and 1 more transcripts).
Identifiers: ClinVar variation 2414516 (VCV002414516.9), dbSNP rs1386334644, ClinGen allele CA395924606.